The following is an entry in ClinVar:

NM_001970.5(EIF5A):c.325C>T (p.Arg109Ter)

Gene: EIF5A (eukaryotic translation initiation factor 5A; plus strand). Cytogenetic location: 17p13.1.
Variant type: single nucleotide variant.
Coding change: c.325C>T on transcript NM_001970.5 (MANE Select); coding-DNA position 325, C replaced by T.
Protein change: p.Arg109Ter; replaces arginine 109 with a stop codon.
Molecular consequence: nonsense.
Genome position (GRCh38, 1-based): chr17:7,311,404, C>T. VCF-style: chr17-7311404-C-T. GRCh37 (hg19) VCF-style: chr17-7214723-C-T.
Other names: c.415C>T, p.Arg139Ter (NM_001143760.1); c.325C>T, p.Arg109Ter (NM_001143761.1, NM_001143762.2, NM_001370420.1 and 1 more transcripts); c.325C>T (NM_001143762.1, NM_001970.4); short protein forms R109*, R139*.
Identifiers: ClinVar variation 1164080 (VCV001164080.5), dbSNP rs2143009613, ClinGen allele CA397776571.
Genomic context (GRCh38, chr17:7,311,404, plus strand): 5'-CCCCAGCTGATTGGCATCCAGGATGGGTACCTATCACTGCTCCAGGACAGCGGGGAGGTA[C>T]GAGAGGACCTTCGTCTCCCTGAGGGAGACCTTGGCAAGGAGATTGAGCAGAAGTACGACT-3'

ClinVar aggregate classification (germline): Pathogenic/Likely pathogenic. Review status: criteria provided, multiple submitters, no conflicts (2 of 4 stars). 4 submissions from 4 submitters: Pathogenic (2); Likely pathogenic (1). 1 of the submissions does not count toward it. Last evaluated 2024-04-15.

Conditions:
Faundes-Banka syndrome. Identifiers: MedGen C5543554, MONDO:0859163, OMIM 619376.

Submissions (4):

ARUP Laboratories, Molecular Genetics and Genomics, ARUP Laboratories
Classification: Likely pathogenic for Faundes-Banka syndrome. Last evaluated: 2024-04-15. Review status: criteria provided, single submitter. Criteria: ARUP Molecular Germline Variant Investigation Process 2024. Collection method: clinical testing. Allele origin: germline.
Comment: The EIF5A c.325C>T; p.Arg109Ter variant (rs2143009613, ClinVar Variation ID: 1164080) was identified as arising de novo in an individual with intellectual disability, hypotonia, microcephaly, micrognathia and clinical suspicion of a Kabuki syndrome, with a facial appearance described as plagiocephalic with sparse scalp hair, frontal bossing, downslanting palpebral fissure, and cupped ears (Faundes 2021). This variant is absent from the Genome Aggregation Database (v2.1.1), indicating it is not a common polymorphism. The p.Arg109Ter variant creates an early termination codon in exon 4 (of 5) and is expected to result in a truncated protein or mRNA subject to nonsense-mediated decay. Based on the available information, this variant is considered likely pathogenic. References: Faundes V et al. Impaired eIF5A function causes a Mendelian disorder that is partially rescued in model systems by spermidine. Nat Commun. 2021 Feb 5;12(1):833. PMID: 33547280.

GeneDx
Classification: Pathogenic. Last evaluated: 2023-12-28. Review status: criteria provided, single submitter. Criteria: GeneDx Variant Classification Process June 2021. Collection method: clinical testing. Allele origin: germline. Affected: yes.
Comment: Not observed at significant frequency in large population cohorts (gnomAD); Nonsense variant predicted to result in protein truncation or nonsense mediated decay in a gene for which loss of function is a known mechanism of disease; This variant is associated with the following publications: (PMID: 33547280, 34273022)

Department of Genetics, Rouen University Hospital, Normandy Center for Genomic and Personalized Medicine
Classification: Pathogenic for Faundes-Banka syndrome. Last evaluated: 2022-07-12. Review status: criteria provided, single submitter. Criteria: ACMG Guidelines, 2015. Collection method: clinical testing. Allele origin: de novo. Affected: yes.

OMIM
Classification: Pathogenic for FAUNDES-BANKA SYNDROME. Last evaluated: 2021-06-09. Review status: no assertion criteria provided. Collection method: literature only. Allele origin: germline. Not counted in ClinVar's aggregate classification.

Literature cited by the submitters: PubMed 33547280 (cited by OMIM).